The following is an entry in ClinVar:

ClinVar aggregate classification (germline): Pathogenic/Likely pathogenic. Review status: criteria provided, multiple submitters, no conflicts (2 of 4 stars). 9 submissions from 9 submitters: Pathogenic (4); Likely pathogenic (3). 2 of the submissions do not count toward it. Last evaluated 2025-10-01.

Conditions:
CLN5-related disorder. Also called: CLN5-related condition.
Neuronal ceroid lipofuscinosis. Also called: Neuronal Ceroid Lipofuscinoses. Identifiers: Orphanet 216, Orphanet 79263, MedGen C0027877, MONDO:0016295. Disease mechanism: loss of function.
Neuronal ceroid lipofuscinosis 5 (CLN5). Also called: CEROID LIPOFUSCINOSIS, NEURONAL, 5, VARIABLE AGE AT ONSET; Neuronal ceroid lipofuscinosis Finnish variant; NEURONAL CEROID LIPOFUSCINOSIS, LATE INFANTILE, FINNISH VARIANT; CLN5-Related Neuronal Ceroid-Lipofuscinosis. Identifiers: Orphanet 168491, Orphanet 228360, MedGen C1850442, MONDO:0009745, OMIM 256731.

Submissions (9):

Labcorp Genetics (formerly Invitae), Labcorp
Classification: Pathogenic for Neuronal ceroid lipofuscinosis. Last evaluated: 2025-10-01. Review status: criteria provided, single submitter. Criteria: Invitae Variant Classification Sherloc (09022015). Collection method: clinical testing. Allele origin: germline.
Comment: This sequence change creates a premature translational stop signal (p.Gly319Phefs*12) in the CLN5 gene. While this is not anticipated to result in nonsense mediated decay, it is expected to disrupt the last 89 amino acid(s) of the CLN5 protein. This variant is present in population databases (rs776933221, gnomAD 0.008%). This variant has not been reported in the literature in individuals affected with CLN5-related conditions. ClinVar contains an entry for this variant (Variation ID: 56547). This variant disrupts a region of the CLN5 protein in which other variant(s) (p.Tyr392*) have been determined to be pathogenic (PMID: 9662406, 11971870, 20052765, 24038957, 24058541). This suggests that this is a clinically significant region of the protein, and that variants that disrupt it are likely to be disease-causing. For these reasons, this variant has been classified as Pathogenic.

Natera, Inc.
Classification: Likely pathogenic for Neuronal ceroid lipofuscinosis. Last evaluated: 2025-01-24. Review status: criteria provided, single submitter. Criteria: Natera Variant Classification Schema (03/2026). Collection method: clinical testing. Allele origin: germline.
Comment: The c.955_970del variant in CLN5 is a frameshift variant predicted to shift the reading frame beginning at codon 319 and leads to a stop codon 12 codons downstream. This variant is expected to result in nonsense mediated decay, truncation, or a dysfunctional protein product. This variant is rare in the general population with a frequency below the threshold expected for the associated phenotype(s). This variant has been observed in one or more individuals affected with the associated recessive disease, as either homozygous or compound heterozygous with a second variant (PMID: 21990111). Given the available evidence, this variant is classified as Likely Pathogenic.

Women's Health and Genetics/Laboratory Corporation of America, LabCorp
Classification: Pathogenic for Neuronal ceroid lipofuscinosis. Last evaluated: 2023-11-07. Review status: criteria provided, single submitter. Criteria: LabCorp Variant Classification Summary - May 2015. Collection method: clinical testing. Allele origin: germline.
Comment: Variant summary: CLN5 c.808_823del16 (p.Gly270PhefsX12) results in a premature termination codon, predicted to cause a truncation of the encoded protein or absence of the protein. Variants downstream of this position have been classified as pathogenic by our laboratory and in ClinVar. The variant allele was found at a frequency of 4e-06 in 251264 control chromosomes (gnomAD). c.808_823del16 has been reported in the literature in at-least one individual affected with Neuronal Ceroid-Lipofuscinosis (Batten Disease) (example: Kousi_2012). The following publication has been ascertained in the context of this evaluation (PMID: 21990111). Four submitters have cited clinical-significance assessments for this variant to ClinVar after 2014. All submitters classified the variant as pathogenic/likely pathogenic. Based on the evidence outlined above, the variant was classified as pathogenic.

Blueprint Genetics
Classification: Likely pathogenic for CLN5-related disorders. Last evaluated: 2023-10-19. Review status: criteria provided, single submitter. Criteria: ACMG Guidelines, 2015. Collection method: clinical testing. Allele origin: germline. Affected: yes. Observed: 3 variant alleles.

Baylor Genetics
Classification: Pathogenic for Neuronal ceroid lipofuscinosis 5. Last evaluated: 2023-07-10. Review status: criteria provided, single submitter. Criteria: ACMG Guidelines, 2015. Collection method: clinical testing. Allele origin: unknown.

GeneDx
Classification: Likely pathogenic. Last evaluated: 2022-01-31. Review status: criteria provided, single submitter. Criteria: GeneDx Variant Classification Process June 2021. Collection method: clinical testing. Allele origin: germline. Affected: yes.
Comment: Identified with a second CLN5 variant in an individual with neuronal ceroid lipofuscinoses, however, clinical and familial segregation information was not provided (Kousi M et al., 2012); Frameshift variant predicted to result in protein truncation, as the last 89 amino acids are replaced with 11 different amino acids, and other loss-of-function variants have been reported downstream in HGMD; Not observed at significant frequency in large population cohorts (gnomAD); This variant is associated with the following publications: (PMID: 21990111)

Eurofins Ntd Llc (ga)
Classification: Pathogenic. Last evaluated: 2014-11-08. Review status: criteria provided, single submitter. Criteria: EGL Classification Definitions 2015. Collection method: clinical testing. Allele origin: germline. Observed: 3 variant alleles, 3 heterozygotes.

Mayo Clinic Laboratories, Mayo Clinic
Classification: Likely pathogenic. Last evaluated: 2017-06-01. Review status: no assertion criteria provided. Collection method: clinical testing. Allele origin: unknown. Not counted in ClinVar's aggregate classification.

Juha Muilu Group; Institute for Molecular Medicine Finland (FIMM)
Classification: Likely pathogenic for Ceroid lipofuscinosis neuronal 5. Review status: no assertion criteria provided. Collection method: not provided. Allele origin: unknown. Not counted in ClinVar's aggregate classification.
Comment: FinDis database variant: This variant was not found or characterized by our laboratory, data were collected from public sources: see reference
ClinVar note: Converted during submission from probable-pathogenic to Likely pathogenic.

Literature cited by the submitters: PubMed 9662406 (cited by Labcorp Genetics (formerly Invitae), Labcorp); PubMed 11971870 (cited by Labcorp Genetics (formerly Invitae), Labcorp); PubMed 20052765 (cited by Labcorp Genetics (formerly Invitae), Labcorp); PubMed 24038957 (cited by Labcorp Genetics (formerly Invitae), Labcorp); PubMed 24058541 (cited by Labcorp Genetics (formerly Invitae), Labcorp); PubMed 21990111 (cited by 3 submitters).

NM_006493.4(CLN5):c.808_823del (p.Gly270fs)

Gene: CLN5 (CLN5 lysosomal BMP synthase; plus strand). Cytogenetic location: 13q22.3.
Variant type: Deletion.
Coding change: c.808_823del on transcript NM_006493.4 (MANE Select); coding-DNA positions 808 to 823, 16 bases deleted (GGAAATGAAACATCTG).
Protein change: p.Gly270fs; shifts the reading frame from glycine 270.
Molecular consequence: frameshift variant. On other transcripts: 3 prime UTR variant (1).
Genome position (GRCh38, 1-based): chr13:77,000,700-77,000,715, GGAAATGAAACATCTG deleted; deleting any 16 consecutive bases within chr13:77,000,695-77,000,715 gives the same sequence; the c. name uses the placement nearest the transcript's 3' end. VCF-style (leftmost placement, unchanged base first): chr13-77000694-TATCTGGGAAATGAAAC-T. GRCh37 (hg19) VCF-style: chr13-77574829-TATCTGGGAAATGAAAC-T.
Other names: c.*257_*272del (NM_001366624.2); c.955_970del (LRG_692t1, NM_006493.2); c.955_970delGGAAATGAAACATCTG (NM_006493.2); c.808_823del16 (NM_006493.4); short protein forms G270fs.
Identifiers: ClinVar variation 56547 (VCV000056547.24), dbSNP rs386833983, ClinGen allele CA263918.